The following is an entry in ClinVar:

ClinVar aggregate classification (germline): Likely benign. Review status: criteria provided, multiple submitters, no conflicts (2 of 4 stars). 5 submissions from 5 submitters: Likely benign (5). Last evaluated 2026-01-18.

Conditions:
PLEKHG5-related disorder. Also called: PLEKHG5-related condition.
Charcot-Marie-Tooth disease recessive intermediate C. Also called: CHARCOT-MARIE-TOOTH NEUROPATHY, RECESSIVE INTERMEDIATE C. Identifiers: Orphanet 369867, MedGen C3809309, MONDO:0014154, OMIM 615376.
Neuronopathy, distal hereditary motor, autosomal recessive 4. Also called: Autosomal recessive lower motor neuron disease with childhood onset; NEUROPATHY, DISTAL HEREDITARY MOTOR, AUTOSOMAL RECESSIVE 4. Identifiers: Orphanet 206580, MedGen C1970211, MONDO:0012608, OMIM 611067.

Allele frequency attached by ClinVar (database versions not stated): gnomAD exomes 0.00007 and 0.00015; ExAC 0.00018; ESP Exome Variant Server 0.00031; 1000 Genomes Project 30x 0.00047; gnomAD 0.00050 and 0.00054; 1000 Genomes Project 0.00060; TOPMed 0.00062.
gnomAD v4.1: 194 of 1,612,910 alleles (0.012%); highest among the groups gnomAD compares: African/African-American, 0.21%; no homozygotes.

Submissions (5):

Labcorp Genetics (formerly Invitae), Labcorp
Classification: Likely benign for Neuronopathy, distal hereditary motor, autosomal recessive 4; Charcot-Marie-Tooth disease recessive intermediate C. Last evaluated: 2026-01-18. Review status: criteria provided, single submitter. Criteria: Invitae Variant Classification Sherloc (09022015). Collection method: clinical testing. Allele origin: germline.

Mayo Clinic Laboratories, Mayo Clinic
Classification: Likely benign. Last evaluated: 2025-10-01. Review status: criteria provided, single submitter. Criteria: ACMG Guidelines, 2015. Collection method: clinical testing. Allele origin: germline. Observed: 1 variant allele.
Comment: BS1, BP4, BP7

PreventionGenetics, part of Exact Sciences
Classification: Likely benign for PLEKHG5-related condition. Last evaluated: 2025-05-29. Review status: criteria provided, single submitter. Criteria: ACMG Guidelines, 2015. Collection method: clinical testing. Allele origin: germline.
Comment: This variant is classified as likely benign based on ACMG/AMP sequence variant interpretation guidelines (Richards et al. 2015 PMID: 25741868, with internal and published modifications).

Blueprint Genetics
Classification: Likely benign. Last evaluated: 2024-06-17. Review status: criteria provided, single submitter. Criteria: ACMG Guidelines, 2015. Collection method: clinical testing. Allele origin: germline.

GeneDx
Classification: Likely benign. Last evaluated: 2017-08-14. Review status: criteria provided, single submitter. Criteria: GeneDx Variant Classification (06012015). Collection method: clinical testing. Allele origin: germline. Affected: yes.
Comment: This variant is considered likely benign or benign based on one or more of the following criteria: it is a conservative change, it occurs at a poorly conserved position in the protein, it is predicted to be benign by multiple in silico algorithms, and/or has population frequency not consistent with disease.

NM_020631.6(PLEKHG5):c.3011+9C>T

Gene: PLEKHG5 (pleckstrin homology and RhoGEF domain containing G5; minus strand). Cytogenetic location: 1p36.31.
Variant type: single nucleotide variant.
Coding change: c.3011+9C>T on transcript NM_020631.6 (MANE Select); 9 bases into the intron after coding-DNA position 3011, C replaced by T.
Molecular consequence: intron variant.
Genome position (GRCh38, 1-based): chr1:6,467,816, G>A on the plus strand (C>T on the coding strand, the complement: PLEKHG5 is on the minus strand). VCF-style: chr1-6467816-G-A. GRCh37 (hg19) VCF-style: chr1-6527876-G-A.
Other names: p.?; c.3011+9C>T (NM_020631.5, NM_198681.4, NM_001042664.2 and 1 more transcripts); c.3122+9C>T (NM_001042663.3, NM_001265592.2); c.*18+9C>T (NM_001265594.3); c.3218+9C>T (NM_001265593.2).
Identifiers: ClinVar variation 391775 (VCV000391775.14), dbSNP rs144809602, ClinGen allele CA561049.